The following is an entry in ClinVar:

ClinVar aggregate classification (germline): Uncertain significance (1 of 4 stars; one submission).

Submission:

GeneDx
Classification: Uncertain significance. Last evaluated: 2024-06-04. Review status: criteria provided, single submitter. Criteria: GeneDx Variant Classification Process June 2021. Collection method: clinical testing. Allele origin: germline. Affected: yes.
Comment: Not observed at significant frequency in large population cohorts (gnomAD); In silico analysis indicates that this missense variant does not alter protein structure/function; Has not been previously published as pathogenic or benign to our knowledge

NM_001020658.2(PUM1):c.1894C>G (p.Pro632Ala)

Gene: PUM1 (pumilio RNA binding family member 1; minus strand). Cytogenetic location: 1p35.2.
Variant type: single nucleotide variant.
Coding change: c.1894C>G on transcript NM_001020658.2 (MANE Select); coding-DNA position 1894, C replaced by G.
Protein change: p.Pro632Ala; replaces proline 632 with alanine.
Molecular consequence: missense variant.
Genome position (GRCh38, 1-based): chr1:30,966,174, G>C on the plus strand (C>G on the coding strand, the complement: PUM1 is on the minus strand). VCF-style: chr1-30966174-G-C. GRCh37 (hg19) VCF-style: chr1-31439021-G-C.
Other names: c.1894C>G, p.Pro632Ala (NM_014676.3); short protein forms P632A.
Identifiers: ClinVar variation 3384569 (VCV003384569.1).
Genomic context (GRCh38, chr1:30,966,174, plus strand): 5'-TCAGAGAGTTGTTGCCGTAGAAAGAACTGGATGCCAGGTTGTTATTGGGCTGCTGCTGGG[G>C]CTGGGGCTGAGGCTGCTGTGTTCCTAAAGGGCGAAATGGTCCATTTGTTGTTCCAGCAAG-3'
Protein context (NP_001018494.1, residues 622-642): PLGTQQPQPQ[Pro632Ala]QQQPNNNLAS